The following is an entry in ClinVar:

NM_000257.4(MYH7):c.2203T>C (p.Phe735Leu)

Gene: MYH7 (myosin heavy chain 7; minus strand). Cytogenetic location: 14q11.2.
Variant type: single nucleotide variant.
Coding change: c.2203T>C on transcript NM_000257.4 (MANE Select); coding-DNA position 2203, T replaced by C.
Protein change: p.Phe735Leu; replaces phenylalanine 735 with leucine.
Molecular consequence: missense variant.
Genome position (GRCh38, 1-based): chr14:23,425,778, A>G on the plus strand (T>C on the coding strand, the complement: MYH7 is on the minus strand). VCF-style: chr14-23425778-A-G. GRCh37 (hg19) VCF-style: chr14-23894987-A-G.
Other names: short protein forms F735L.
Identifiers: ClinVar variation 407175 (VCV000407175.10), dbSNP rs1060501438, ClinGen allele CA16614410.

ClinVar aggregate classification (germline): Uncertain significance (1 of 4 stars; one submission).

Conditions:
Hypertrophic cardiomyopathy. Also called: HYPERTROPHIC MYOCARDIOPATHY. Identifiers: Orphanet 217569, MedGen C0007194, MeSH D002312, MONDO:0005045, HP:0001639.

Submission:

Labcorp Genetics (formerly Invitae), Labcorp
Classification: Uncertain significance for Hypertrophic cardiomyopathy. Last evaluated: 2021-04-29. Review status: criteria provided, single submitter. Criteria: Invitae Variant Classification Sherloc (09022015). Collection method: clinical testing. Allele origin: germline.
Comment: This variant is not present in population databases (ExAC no frequency) and has not been reported in the literature in individuals with a MYH7-related disease. This sequence change replaces phenylalanine with leucine at codon 735 of the MYH7 protein (p.Phe735Leu). The phenylalanine residue is highly conserved and there is a small physicochemical difference between phenylalanine and leucine. A computational algorithm designed to assess the pathogenicity of variants in MYH7 with regard to hypertrophic cardiomyopathy predicted this sequence change to be deleterious. The algorithm has a sensitivity of 94% and a specificity of 89% (PMID: 21310275). In summary, this variant is a novel missense change with uncertain impact on protein function. It has been classified as a Variant of Uncertain Significance.

Literature cited by the submitters: PubMed 21310275.